The following is an entry in ClinVar:

NM_000238.4(KCNH2):c.1742C>T (p.Ser581Leu)

Gene: KCNH2 (potassium voltage-gated channel subfamily H member 2; minus strand). Cytogenetic location: 7q36.1.
Variant type: single nucleotide variant.
Coding change: c.1742C>T on transcript NM_000238.4 (MANE Select); coding-DNA position 1742, C replaced by T.
Protein change: p.Ser581Leu; replaces serine 581 with leucine.
Molecular consequence: missense variant.
Genome position (GRCh38, 1-based): chr7:150,951,651, G>A on the plus strand (C>T on the coding strand, the complement: KCNH2 is on the minus strand). VCF-style: chr7-150951651-G-A. GRCh37 (hg19) VCF-style: chr7-150648739-G-A.
Other names: c.722C>T, p.Ser241Leu (NM_001204798.2, NM_172057.3); c.1454C>T, p.Ser485Leu (NM_001406753.1, NM_001406756.1); c.1565C>T, p.Ser522Leu (NM_001406755.1); c.1442C>T, p.Ser481Leu (NM_001406757.1); c.1742C>T, p.Ser581Leu (NM_172056.3); short protein forms S581L, S241L, S481L, S485L, S522L.
Identifiers: ClinVar variation 577995 (VCV000577995.19), dbSNP rs794728483, ClinGen allele CA369858147.

ClinVar aggregate classification (germline): Uncertain significance. Review status: criteria provided, multiple submitters, no conflicts (2 of 4 stars). 4 submissions from 4 submitters: Uncertain significance (4). Last evaluated 2026-01-15.

Conditions:
Cardiovascular phenotype. Identifiers: MedGen CN230736.
Cardiac arrhythmia. Also called: Arrhythmia; Cardiac rhythm disease. Identifiers: MedGen C0003811, MONDO:0007263, HP:0011675.
Long QT syndrome (LQTS). Identifiers: MedGen C0023976, MeSH D008133, MONDO:0002442. Disease mechanism: loss of function. Inheritance: Various modes of inheritance.

Allele frequency attached by ClinVar (database versions not stated): TOPMed 0.00001; gnomAD 0.00002.
gnomAD v4.1: 3 of 1,614,138 alleles (0.00019%); highest among the groups gnomAD compares: African/African-American, 0.004%; no homozygotes.

Submissions (4):

Labcorp Genetics (formerly Invitae), Labcorp
Classification: Uncertain significance for Long QT syndrome. Last evaluated: 2026-01-15. Review status: criteria provided, single submitter. Criteria: Invitae Variant Classification Sherloc (09022015). Collection method: clinical testing. Allele origin: germline.
Comment: This sequence change replaces serine, which is neutral and polar, with leucine, which is neutral and non-polar, at codon 581 of the KCNH2 protein (p.Ser581Leu). This variant is not present in population databases (gnomAD no frequency). This variant has not been reported in the literature in individuals affected with KCNH2-related conditions. ClinVar contains an entry for this variant (Variation ID: 577995). An algorithm developed to predict the effect of missense changes on protein structure and function (PolyPhen-2) suggests that this variant is likely to be tolerated. In summary, the available evidence is currently insufficient to determine the role of this variant in disease. Therefore, it has been classified as a Variant of Uncertain Significance.

Color Diagnostics, LLC DBA Color Health
Classification: Uncertain significance for Cardiac arrhythmia. Last evaluated: 2024-03-06. Review status: criteria provided, single submitter. Criteria: ACMG Guidelines, 2015. Collection method: clinical testing. Allele origin: germline.
Comment: This missense variant replaces serine with leucine at codon 581 of the KCNH2 protein. Computational prediction is inconclusive regarding the impact of this variant on protein structure and function (internally defined REVEL score threshold 0.5 < inconclusive < 0.7, PMID: 27666373). To our knowledge, functional studies have not been reported for this variant. This variant has not been reported in individuals affected with cardiovascular disorders in the literature. This variant has not been identified in the general population by the Genome Aggregation Database (gnomAD). The available evidence is insufficient to determine the role of this variant in disease conclusively. Therefore, this variant is classified as a Variant of Uncertain Significance.

All of Us Research Program, National Institutes of Health
Classification: Uncertain significance for Long QT syndrome. Last evaluated: 2023-11-30. Review status: criteria provided, single submitter. Criteria: ACMG Guidelines, 2015. Collection method: clinical testing. Allele origin: germline. Inheritance: Autosomal dominant inheritance. Observed: 1 variant allele, 1 heterozygote.
Comment: This missense variant replaces serine with leucine at codon 581 of the KCNH2 protein. Computational prediction is inconclusive regarding the impact of this variant on protein structure and function (internally defined REVEL score threshold 0.5 < inconclusive < 0.7, PMID: 27666373). To our knowledge, functional studies have not been reported for this variant. This variant has not been reported in individuals affected with cardiovascular disorders in the literature. This variant has not been identified in the general population by the Genome Aggregation Database (gnomAD). The available evidence is insufficient to determine the role of this variant in disease conclusively. Therefore, this variant is classified as a Variant of Uncertain Significance.

This study involves interpretation of variants in research participants for the purpose of population health screening. Participant phenotype was not available at the time of variant classification. Additional details can be found in publication PMID: 35346344, PMCID: PMC8962531

Ambry Genetics
Classification: Uncertain significance for Cardiovascular phenotype. Last evaluated: 2023-02-03. Review status: criteria provided, single submitter. Criteria: Ambry Variant Classification Scheme 2023. Collection method: clinical testing. Allele origin: germline.
Comment: The p.S581L variant (also known as c.1742C>T), located in coding exon 7 of the KCNH2 gene, results from a C to T substitution at nucleotide position 1742. The serine at codon 581 is replaced by leucine, an amino acid with dissimilar properties. This amino acid position is well conserved in available vertebrate species. In addition, this alteration is predicted to be deleterious by in silico analysis. Since supporting evidence is limited at this time, the clinical significance of this alteration remains unclear.